The following is an entry in ClinVar:

ClinVar aggregate classification (germline): Uncertain significance. Review status: criteria provided, multiple submitters, no conflicts (2 of 4 stars). 3 submissions from 3 submitters: Uncertain significance (3). Last evaluated 2026-01-24.

Conditions:
Encephalopathy, acute, infection-induced (herpes-specific), susceptibility to, 1. Also called: Herpes simplex encephalitis, susceptibility to, 1. Identifiers: Orphanet 1930, MedGen C2750180, MONDO:0024563, OMIM 610551.

Allele frequency attached by ClinVar (database versions not stated): gnomAD 0.00001; ExAC 0.00002; gnomAD exomes 0.00004; TOPMed 0.00005; ESP Exome Variant Server 0.00015.

Submissions (3):

Labcorp Genetics (formerly Invitae), Labcorp
Classification: Uncertain significance for Encephalopathy, acute, infection-induced (herpes-specific), susceptibility to, 1. Last evaluated: 2026-01-24. Review status: criteria provided, single submitter. Criteria: Invitae Variant Classification Sherloc (09022015). Collection method: clinical testing. Allele origin: germline.
Comment: This sequence change replaces lysine, which is basic and polar, with threonine, which is neutral and polar, at codon 163 of the TLR3 protein (p.Lys163Thr). This variant is present in population databases (rs145104245, gnomAD 0.005%). This variant has not been reported in the literature in individuals affected with TLR3-related conditions. ClinVar contains an entry for this variant (Variation ID: 2712024). An algorithm developed to predict the effect of missense changes on protein structure and function (PolyPhen-2) suggests that this variant is likely to be disruptive. In summary, the available evidence is currently insufficient to determine the role of this variant in disease. Therefore, it has been classified as a Variant of Uncertain Significance.

Ambry Genetics
Classification: Uncertain significance. Last evaluated: 2024-08-01. Review status: criteria provided, single submitter. Criteria: Ambry Variant Classification Scheme 2023. Collection method: clinical testing. Allele origin: germline.

Blueprint Genetics
Classification: Uncertain significance. Last evaluated: 2024-03-11. Review status: criteria provided, single submitter. Criteria: ACMG Guidelines, 2015. Collection method: clinical testing. Allele origin: germline.

NM_003265.3(TLR3):c.488A>C (p.Lys163Thr)

Gene: TLR3 (toll like receptor 3; plus strand). Cytogenetic location: 4q35.1.
Variant type: single nucleotide variant.
Coding change: c.488A>C on transcript NM_003265.3 (MANE Select); coding-DNA position 488, A replaced by C.
Protein change: p.Lys163Thr; replaces lysine 163 with threonine.
Molecular consequence: missense variant.
Genome position (GRCh38, 1-based): chr4:186,078,886, A>C. VCF-style: chr4-186078886-A-C. GRCh37 (hg19) VCF-style: chr4-187000040-A-C.
Other names: short protein forms K163T.
Identifiers: ClinVar variation 2712024 (VCV002712024.5), dbSNP rs145104245, ClinGen allele CA3161236.